The following is an entry in ClinVar:

NM_017654.4(SAMD9):c.3373C>A (p.Gln1125Lys)

Gene: SAMD9 (sterile alpha motif domain containing 9; minus strand). Cytogenetic location: 7q21.2.
Variant type: single nucleotide variant.
Coding change: c.3373C>A on transcript NM_017654.4 (MANE Select); coding-DNA position 3373, C replaced by A.
Protein change: p.Gln1125Lys; replaces glutamine 1125 with lysine.
Molecular consequence: missense variant.
Genome position (GRCh38, 1-based): chr7:93,102,725, G>T on the plus strand (C>A on the coding strand, the complement: SAMD9 is on the minus strand). VCF-style: chr7-93102725-G-T. GRCh37 (hg19) VCF-style: chr7-92732038-G-T.
Other names: c.3373C>A, p.Gln1125Lys (NM_001193307.2); short protein forms Q1125K.
Identifiers: ClinVar variation 3792172 (VCV003792172.1).
Genomic context (GRCh38, chr7:93,102,725, plus strand): 5'-AAATGTTCCCGTTTCCTCCGTTTTCCTCTATCCACCATCTTATTTTACTTTTGTAGACTT[G>T]ACCCAGTGTATCTGAGATATAAGAATTGTCAGGTTCTATGATTTTTGCTTGTTTTGCCCA-3'
Protein context (NP_060124.2, residues 1115-1135): DNSYISDTLG[Gln1125Lys]VYKSKIRWWI

ClinVar aggregate classification (germline): Uncertain significance (1 of 4 stars; one submission).

Conditions:
Inborn genetic diseases. Identifiers: MedGen C0950123, MeSH D030342.

Submission:

Ambry Genetics
Classification: Uncertain significance for Inborn genetic diseases. Last evaluated: 2025-03-14. Review status: criteria provided, single submitter. Criteria: Ambry Variant Classification Scheme 2023. Collection method: clinical testing. Allele origin: germline.
Comment: The p.Q1125K variant (also known as c.3373C>A), located in coding exon 1 of the SAMD9 gene, results from a C to A substitution at nucleotide position 3373. The glutamine at codon 1125 is replaced by lysine, an amino acid with similar properties. This amino acid position is conserved. In addition, this alteration is predicted to be tolerated by in silico analysis. Based on the available evidence, the clinical significance of this variant remains unclear.